The following is an entry in ClinVar:

ClinVar aggregate classification (germline): Uncertain significance (1 of 4 stars; one submission).

Conditions:
Joubert syndrome 18 (JBTS18). Identifiers: Orphanet 2754, MedGen C3553758, MONDO:0013896, OMIM 614815.
Orofacial-digital syndrome IV (OFD4). Also called: Orofaciodigital syndrome IV; BARAITSER-BURN SYNDROME; MOHR-MAJEWSKI SYNDROME; OFD SYNDROME WITH TIBIAL DEFECTS; OFD SYNDROME, BARAITSER-BURN TYPE; OFDS IV. Identifiers: Orphanet 2753, MedGen C0406727, MONDO:0009794, OMIM 258860.

gnomAD v4.1: 1 of 1,614,060 alleles (0.000062%); highest among the groups gnomAD compares: Admixed American, 0.0017%; no homozygotes.

Submission:

Labcorp Genetics (formerly Invitae), Labcorp
Classification: Uncertain significance for Joubert syndrome 18; Orofacial-digital syndrome IV. Last evaluated: 2022-12-20. Review status: criteria provided, single submitter. Criteria: Invitae Variant Classification Sherloc (09022015). Collection method: clinical testing. Allele origin: germline.
Comment: Advanced modeling of protein sequence and biophysical properties (such as structural, functional, and spatial information, amino acid conservation, physicochemical variation, residue mobility, and thermodynamic stability) performed at Invitae indicates that this missense variant is not expected to disrupt TCTN3 protein function. In summary, the available evidence is currently insufficient to determine the role of this variant in disease. Therefore, it has been classified as a Variant of Uncertain Significance. ClinVar contains an entry for this variant (Variation ID: 1470787). This variant has not been reported in the literature in individuals affected with TCTN3-related conditions. This variant is present in population databases (no rsID available, gnomAD 0.003%). This sequence change replaces histidine, which is basic and polar, with arginine, which is basic and polar, at codon 359 of the TCTN3 protein (p.His359Arg).

NM_015631.6(TCTN3):c.1076A>G (p.His359Arg)

Gene: TCTN3 (tectonic family member 3; minus strand). Cytogenetic location: 10q24.1.
Variant type: single nucleotide variant.
Coding change: c.1076A>G on transcript NM_015631.6 (MANE Select); coding-DNA position 1076, A replaced by G.
Protein change: p.His359Arg; replaces histidine 359 with arginine.
Molecular consequence: missense variant. On other transcripts: intron variant (1).
Genome position (GRCh38, 1-based): chr10:95,684,518, T>C on the plus strand (A>G on the coding strand, the complement: TCTN3 is on the minus strand). VCF-style: chr10-95684518-T-C. GRCh37 (hg19) VCF-style: chr10-97444275-T-C.
Other names: c.652-889A>G (NM_001143973.2); short protein forms H359R.
Identifiers: ClinVar variation 1470787 (VCV001470787.8), dbSNP rs982781639, ClinGen allele CA377704678.